The following is an entry in ClinVar:

NM_001005373.4(LRSAM1):c.72+10del

Gene: LRSAM1 (leucine rich repeat and sterile alpha motif containing 1; plus strand). Cytogenetic location: 9q33.3.
Variant type: Deletion.
Coding change: c.72+10del on transcript NM_001005373.4 (MANE Select); 10 bases into the intron after coding-DNA position 72, one base deleted (A; older notation c.72+10delA).
Molecular consequence: intron variant.
Genome position (GRCh38, 1-based): chr9:127,454,609, A deleted; the last of 3 consecutive A bases (chr9:127,454,607-127,454,609); deleting any one gives the same sequence. VCF-style (leftmost placement, unchanged base first): chr9-127454606-GA-G. GRCh37 (hg19) VCF-style: chr9-130216885-GA-G.
Other names: c.72+10del (NM_138361.5, NM_001384142.1, NM_001384143.1 and 2 more transcripts); c.-713+10del (NM_001384144.1).
Identifiers: ClinVar variation 1370513 (VCV001370513.9), dbSNP rs1554753226, ClinGen allele CA374961322.

ClinVar aggregate classification (germline): Conflicting classifications of pathogenicity. Review status: criteria provided, conflicting classifications (1 of 4 stars). 2 submissions from 2 submitters: Uncertain significance (1); Likely benign (1). Last evaluated 2023-02-28.

Conditions:
Charcot-Marie-Tooth disease axonal type 2P. Also called: CHARCOT-MARIE-TOOTH NEUROPATHY, TYPE 2P; CHARCOT-MARIE-TOOTH DISEASE, AXONAL, TYPE 2G; CMT 2G; Charcot-Marie-Tooth Neuropathy Type 2G. Identifiers: Orphanet 300319, Orphanet 99941, MedGen C3280797, MONDO:0013753, OMIM 614436.

Submissions (2):

ARUP Laboratories, Molecular Genetics and Genomics, ARUP Laboratories
Classification: Likely benign for Charcot-Marie-Tooth disease axonal type 2P. Last evaluated: 2023-02-28. Review status: criteria provided, single submitter. Criteria: ARUP Molecular Germline Variant Investigation Process 2024. Collection method: clinical testing. Allele origin: germline.

Labcorp Genetics (formerly Invitae), Labcorp
Classification: Uncertain significance for Charcot-Marie-Tooth disease axonal type 2P. Last evaluated: 2021-02-07. Review status: criteria provided, single submitter. Criteria: Invitae Variant Classification Sherloc (09022015). Collection method: clinical testing. Allele origin: germline.
Comment: In summary, the available evidence is currently insufficient to determine the role of this variant in disease. Therefore, it has been classified as a Variant of Uncertain Significance. Algorithms developed to predict the effect of sequence changes on RNA splicing suggest that this variant may create or strengthen a splice site, but this prediction has not been confirmed by published transcriptional studies. This variant has not been reported in the literature in individuals with LRSAM1-related conditions. This variant is not present in population databases (ExAC no frequency). This sequence change falls in intron 2 of the LRSAM1 gene. It does not directly change the encoded amino acid sequence of the LRSAM1 protein, but it affects a nucleotide within the consensus splice site of the intron.